The following is an entry in ClinVar:

ClinVar aggregate classification (germline): Pathogenic (1 of 4 stars; one submission).

Conditions:
MED13L-related neurodevelopmental disorder.

Submission:

Illumina Laboratory Services, Illumina
Classification: Pathogenic for MED13L-related neurodevelopmental disorder. Last evaluated: 2020-02-17. Review status: criteria provided, single submitter. Criteria: ICSLVariantClassificationCriteria RUGD 01 April 2020. Collection method: clinical testing. Allele origin: unknown.
Comment: The MED13L c.2090_2091insGAGCCACT (p.Asp697GlufsTer19) variant results in a frameshift and is predicted to result in premature termination of the protein. A literature search was performed for the gene, cDNA change, and amino acid change. No publications were found based on this search. This variant is not found in the Genome Aggregation Database in a region of good sequence coverage, so the variant is presumed to be rare. Based on the predicted truncating nature of the variant in a gene for which haploinsufficiency is an established disease mechanism (Cafiero et al. 2015; Torring et al. 2019), its rarity, identification in a de novo state, and application of the ACMG criteria, the p.Asp697GlufsTer19 variant is classified as pathogenic for MED13L-related neurodevelopmental disorder.

Literature cited by the submitters: PubMed 29959045; PubMed 25712080.

NM_015335.5(MED13L):c.2090_2091insGAGCCACT (p.Asp697fs)

Gene: MED13L (mediator complex subunit 13L; minus strand). Cytogenetic location: 12q24.21.
Variant type: Insertion.
Coding change: c.2090_2091insGAGCCACT on transcript NM_015335.5 (MANE Select); coding-DNA positions 2090 to 2091, GAGCCACT inserted.
Protein change: p.Asp697fs; shifts the reading frame from aspartic acid 697.
Molecular consequence: frameshift variant.
Genome position: GRCh38 VCF-style: chr12-116007558-G-GAGTGGCTC. GRCh37 (hg19) VCF-style: chr12-116445363-G-GAGTGGCTC.
Other names: short protein forms D697fs.
Identifiers: ClinVar variation 873512 (VCV000873512.4), dbSNP rs1879125566, ClinGen allele CA1139662900.